The following is an entry in ClinVar:

NM_001365536.1(SCN9A):c.3388G>A (p.Val1130Ile)

Genes: SCN1A-AS1 (SCN1A and SCN9A antisense RNA 1; plus strand), SCN9A (sodium voltage-gated channel alpha subunit 9; minus strand). Cytogenetic location: 2q24.3.
Variant type: single nucleotide variant.
Coding change: c.3388G>A on transcript NM_001365536.1 (MANE Select); coding-DNA position 3388, G replaced by A.
Protein change: p.Val1130Ile; replaces valine 1130 with isoleucine.
Molecular consequence: missense variant. On other transcripts: non-coding transcript variant (1).
Genome position (GRCh38, 1-based): chr2:166,251,849, C>T on the plus strand (G>A on the coding strand, the complement: SCN9A is on the minus strand). VCF-style: chr2-166251849-C-T. GRCh37 (hg19) VCF-style: chr2-167108359-C-T.
Other names: c.3355G>A, p.Val1119Ile (NM_002977.4); short protein forms V1130I, V1119I.
Identifiers: ClinVar variation 663698 (VCV000663698.14), dbSNP rs765384427, ClinGen allele CA1944072.
Genomic context (GRCh38, chr2:166,251,849, plus strand): 5'-CATCGGAATTCATAGGTTCAGCCTCTGCTTCTTCTCCTTCTCCAGGCAAAGGGTTATCAA[C>T]TGTGCTGCACTCTGAGGAGCTTGACCGGTTTAATCTCTAGAAAGGAATTCACCACCCCAC-3'
Protein context (NP_001352465.1, residues 1120-1140): NRSSSSECST[Val1130Ile]DNPLPGEGEE

ClinVar aggregate classification (germline): Uncertain significance. Review status: criteria provided, multiple submitters, no conflicts (2 of 4 stars). 4 submissions from 2 submitters: Uncertain significance (4). Last evaluated 2024-09-22.

Conditions:
Neuropathy, hereditary sensory and autonomic, type 2A (HSAN2A). Also called: WNK1-Related HSAN2 (HSAN2A); ACROOSTEOLYSIS, GIACCAI TYPE; ACROOSTEOLYSIS, NEUROGENIC; MORVAN DISEASE; NEUROPATHY, CONGENITAL SENSORY; NEUROPATHY, HEREDITARY SENSORY RADICULAR, AUTOSOMAL RECESSIVE. Identifiers: Orphanet 970, MedGen C2752089, MONDO:0024309, OMIM 201300.
Generalized epilepsy with febrile seizures plus, type 7 (GEFSP7). Also called: GEFS+, TYPE 7. Identifiers: Orphanet 36387, MedGen C2751778, MONDO:0013470, OMIM 613863.
Channelopathy-associated congenital insensitivity to pain, autosomal recessive. Also called: Insensitivity to pain, channelopathy-associated; ASYMBOLIA FOR PAIN; CONGENITAL ANALGESIA, AUTOSOMAL RECESSIVE. Identifiers: Orphanet 88642, Orphanet 970, MedGen C1855739, MONDO:0009459, OMIM 243000.
Paroxysmal extreme pain disorder (PEXPD). Also called: SCN9A Paroxysmal Extreme Pain Disorder (SCN9A-PEPD); PAIN, SUBMANDIBULAR, OCULAR, AND RECTAL, WITH FLUSHING; RECTAL PAIN, FAMILIAL. Identifiers: Orphanet 46348, MedGen C1833661, MONDO:0008179, OMIM 167400.
Primary erythromelalgia. Also called: primary erythermalgia; SCN9A Erythromelalgia (SCN9A-EM). Identifiers: Orphanet 306577, Orphanet 90026, MedGen C0014805, MONDO:0007571, OMIM 133020.

Allele frequency attached by ClinVar (database versions not stated): gnomAD 0.00001; TOPMed 0.00002.
gnomAD v4.1: 27 of 1,612,500 alleles (0.0017%); highest among the groups gnomAD compares: Non-Finnish European, 0.0023%; no homozygotes.

Submissions (4):

Labcorp Genetics (formerly Invitae), Labcorp
Classification: Uncertain significance for Neuropathy, hereditary sensory and autonomic, type 2A; Generalized epilepsy with febrile seizures plus, type 7. Last evaluated: 2024-09-22. Review status: criteria provided, single submitter. Criteria: Invitae Variant Classification Sherloc (09022015). Collection method: clinical testing. Allele origin: germline.
Comment: This sequence change replaces valine, which is neutral and non-polar, with isoleucine, which is neutral and non-polar, at codon 1119 of the SCN9A protein (p.Val1119Ile). This variant is present in population databases (rs765384427, gnomAD 0.002%). This variant has not been reported in the literature in individuals affected with SCN9A-related conditions. ClinVar contains an entry for this variant (Variation ID: 663698). Invitae Evidence Modeling of protein sequence and biophysical properties (such as structural, functional, and spatial information, amino acid conservation, physicochemical variation, residue mobility, and thermodynamic stability) indicates that this missense variant is not expected to disrupt SCN9A protein function with a negative predictive value of 95%. In summary, the available evidence is currently insufficient to determine the role of this variant in disease. Therefore, it has been classified as a Variant of Uncertain Significance.

Illumina Laboratory Services, Illumina
Classification: Uncertain significance for Primary erythromelalgia. Last evaluated: 2017-04-27. Review status: criteria provided, single submitter. Criteria: ICSL Variant Classification Criteria 13 December 2019. Collection method: clinical testing. Allele origin: germline.

Illumina Laboratory Services, Illumina
Classification: Uncertain significance for Channelopathy-associated congenital insensitivity to pain, autosomal recessive. Last evaluated: 2017-04-27. Review status: criteria provided, single submitter. Criteria: ICSL Variant Classification Criteria 13 December 2019. Collection method: clinical testing. Allele origin: germline.

Illumina Laboratory Services, Illumina
Classification: Uncertain significance for Paroxysmal extreme pain disorder. Last evaluated: 2017-04-27. Review status: criteria provided, single submitter. Criteria: ICSL Variant Classification Criteria 13 December 2019. Collection method: clinical testing. Allele origin: germline.